The following is an entry in ClinVar:

NM_025137.4(SPG11):c.4343G>T (p.Cys1448Phe)

Gene: SPG11 (SPG11 vesicle trafficking associated, spatacsin; minus strand). Cytogenetic location: 15q21.1.
Variant type: single nucleotide variant.
Coding change: c.4343G>T on transcript NM_025137.4 (MANE Select); coding-DNA position 4343, G replaced by T.
Protein change: p.Cys1448Phe; replaces cysteine 1448 with phenylalanine.
Molecular consequence: missense variant.
Genome position (GRCh38, 1-based): chr15:44,596,174, C>A on the plus strand (G>T on the coding strand, the complement: SPG11 is on the minus strand). VCF-style: chr15-44596174-C-A. GRCh37 (hg19) VCF-style: chr15-44888372-C-A.
Other names: p.Cys1448Phe; c.4343G>T, p.Cys1448Phe (NM_001160227.2, NM_001411132.1); short protein forms C1448F.
Identifiers: ClinVar variation 3380275 (VCV003380275.1).

ClinVar aggregate classification (germline): Uncertain significance (1 of 4 stars; one submission).

gnomAD v4.1: 3 of 1,614,184 alleles (0.00019%); highest among the groups gnomAD compares: Non-Finnish European, 0.00025%; no homozygotes.

Submission:

Mayo Clinic Laboratories, Mayo Clinic
Classification: Uncertain significance. Last evaluated: 2023-12-27. Review status: criteria provided, single submitter. Criteria: ACMG Guidelines, 2015. Collection method: clinical testing. Allele origin: germline. Observed: 1 variant allele.
Comment: PM2_moderate